The following is an entry in ClinVar:

ClinVar aggregate classification (germline): Conflicting classifications of pathogenicity. Review status: criteria provided, conflicting classifications (1 of 4 stars). 7 submissions from 7 submitters: Uncertain significance (4); Likely benign (2). 1 of the submissions does not count toward it. Last evaluated 2026-01-24.

Conditions:
BARD1-related disorder. Also called: BARD1-related condition.
Hereditary cancer-predisposing syndrome. Also called: Neoplastic Syndromes, Hereditary; Tumor predisposition; Hereditary Cancer Syndrome; Hereditary neoplastic syndrome. Identifiers: Orphanet 140162, MedGen C0027672, MeSH D009386, MONDO:0015356.
Familial cancer of breast. Also called: BREAST CANCER, FAMILIAL; Hereditary breast cancer; hereditary breast carcinoma. Identifiers: Orphanet 227535, MedGen C0346153, MONDO:0016419, OMIM 114480. Disease mechanism: loss of function.

Allele frequency attached by ClinVar (database versions not stated): gnomAD 0.00001; ExAC 0.00002; TOPMed 0.00002.
gnomAD v4.1: 13 of 1,613,974 alleles (0.00081%); highest among the groups gnomAD compares: Admixed American, 0.018%; no homozygotes.

Submissions (7):

Labcorp Genetics (formerly Invitae), Labcorp
Classification: Uncertain significance for Familial cancer of breast. Last evaluated: 2026-01-24. Review status: criteria provided, single submitter. Criteria: Invitae Variant Classification Sherloc (09022015). Collection method: clinical testing. Allele origin: germline.
Comment: This sequence change replaces lysine, which is basic and polar, with arginine, which is basic and polar, at codon 379 of the BARD1 protein (p.Lys379Arg). This variant is present in population databases (rs750827325, gnomAD 0.03%). This missense change has been observed in individual(s) with breast and/or ovarian cancer (PMID: 30306255). ClinVar contains an entry for this variant (Variation ID: 186863). An algorithm developed to predict the effect of missense changes on protein structure and function outputs the following: PolyPhen-2: "Benign". The arginine amino acid residue is found in multiple mammalian species, which suggests that this missense change does not adversely affect protein function. In summary, the available evidence is currently insufficient to determine the role of this variant in disease. Therefore, it has been classified as a Variant of Uncertain Significance.

Color Diagnostics, LLC DBA Color Health
Classification: Likely benign for Hereditary cancer-predisposing syndrome. Last evaluated: 2025-12-10. Review status: criteria provided, single submitter. Criteria: ACMG Guidelines, 2015. Collection method: clinical testing. Allele origin: germline.

Quest Diagnostics Nichols Institute San Juan Capistrano
Classification: Uncertain significance. Last evaluated: 2025-11-07. Review status: criteria provided, single submitter. Criteria: Quest Diagnostics criteria. Collection method: clinical testing. Allele origin: unknown.
Comment: The BARD1 c.1136A>G (p.Lys379Arg) variant has been reported in the published literature in a hereditary breast and ovarian cancer cohort (PMID: 30306255 (2018)), as well as in a reportedly unaffected individual in a large scale breast cancer association study (PMID: 33471991 (2021), see also LOVD). The frequency of this variant in the general population (Genome Aggregation Database) is higher than would generally be expected for pathogenic variants in this gene. Analysis of this variant using bioinformatics tools for the prediction of the effect of amino acid changes on protein structure and function yielded predictions that this variant is benign. Based on the available information, we are unable to determine the clinical significance of this variant.

Women's Health and Genetics/Laboratory Corporation of America, LabCorp
Classification: Uncertain significance. Last evaluated: 2025-08-29. Review status: criteria provided, single submitter. Criteria: LabCorp Variant Classification Summary - May 2015. Collection method: clinical testing. Allele origin: germline.
Comment: Variant summary: BARD1 c.1136A>G (p.Lys379Arg) results in a conservative amino acid change in the encoded protein sequence. Algorithms developed to predict the effect of missense changes on protein structure and function all suggest that this variant is likely to be tolerated. The variant allele was found at a frequency of 4e-05 in 251338 control chromosomes (gnomAD). This frequency is not significantly higher than estimated for disease-causing variants in BARD1, allowing no conclusion about variant significance. c.1136A>G has been observed in at least one individual with suspected HBOC (Bonache_2018). This report does not provide unequivocal conclusions about association of the variant with Breast Cancer. To our knowledge, no experimental evidence demonstrating an impact on protein function has been reported. The following publication has been ascertained in the context of this evaluation (PMID: 30306255). ClinVar contains an entry for this variant (Variation ID: 186863). Based on the evidence outlined above, the variant was classified as uncertain significance.

Ambry Genetics
Classification: Likely benign for Hereditary cancer-predisposing syndrome. Last evaluated: 2022-12-05. Review status: criteria provided, single submitter. Criteria: Ambry Variant Classification Scheme 2023. Collection method: clinical testing. Allele origin: germline.

GeneDx
Classification: Uncertain significance. Last evaluated: 2022-06-29. Review status: criteria provided, single submitter. Criteria: GeneDx Variant Classification Process June 2021. Collection method: clinical testing. Allele origin: germline. Affected: yes.
Comment: In silico analysis supports that this missense variant does not alter protein structure/function; Has not been previously published as pathogenic or benign to our knowledge

PreventionGenetics, part of Exact Sciences
Classification: Uncertain significance for BARD1-related condition. Last evaluated: 2023-12-19. Review status: no assertion criteria provided. Collection method: clinical testing. Allele origin: germline. Not counted in ClinVar's aggregate classification.
Comment: The BARD1 c.1136A>G variant is predicted to result in the amino acid substitution p.Lys379Arg. To our knowledge, this variant has not been reported in the literature. This variant is reported in 0.029% of alleles in individuals of Latino descent in gnomAD and has conflicting interpretations of uncertain and likely benign in ClinVar. At this time, the clinical significance of this variant is uncertain due to the absence of conclusive functional and genetic evidence.

Literature cited by the submitters: PubMed 30306255 (cited by 3 submitters); PubMed 33471991 (cited by Quest Diagnostics Nichols Institute San Juan Capistrano).

NM_000465.4(BARD1):c.1136A>G (p.Lys379Arg)

Gene: BARD1 (BRCA1 associated RING domain 1; minus strand). Cytogenetic location: 2q35.
Variant type: single nucleotide variant.
Coding change: c.1136A>G on transcript NM_000465.4 (MANE Select); coding-DNA position 1136, A replaced by G.
Protein change: p.Lys379Arg; replaces lysine 379 with arginine.
Molecular consequence: missense variant. On other transcripts: non-coding transcript variant (2), intron variant (3).
Genome position (GRCh38, 1-based): chr2:214,780,738, T>C on the plus strand (A>G on the coding strand, the complement: BARD1 is on the minus strand). VCF-style: chr2-214780738-T-C. GRCh37 (hg19) VCF-style: chr2-215645462-T-C.
Other names: c.1079A>G, p.Lys360Arg (NM_001282543.2); c.159-28183A>G (NM_001282548.2); c.215+16323A>G (NM_001282545.2); c.364+11559A>G (NM_001282549.2); short protein forms K379R, K360R.
Identifiers: ClinVar variation 186863 (VCV000186863.28), dbSNP rs750827325, ClinGen allele CA196078.